The following is an entry in ClinVar:

ClinVar aggregate classification (germline): Conflicting classifications of pathogenicity. Review status: criteria provided, conflicting classifications (1 of 4 stars). 2 submissions from 2 submitters: Uncertain significance (1); Likely benign (1). Last evaluated 2026-02-01.

Conditions:
Cenani-Lenz syndactyly syndrome. Also called: CENANI SYNDACTYLISM; SYNDACTYLY, TYPE VII. Identifiers: Orphanet 3258, MedGen C1859309, MONDO:0008931, OMIM 212780.
Congenital myasthenic syndrome 17. Identifiers: Orphanet 590, MedGen C4225377, MONDO:0014578, OMIM 616304.
Sclerosteosis 2 (SOST2). Identifiers: Orphanet 3152, MedGen C3280402, MONDO:0013679, OMIM 614305.

Allele frequency attached by ClinVar (database versions not stated): ExAC 0.00002; gnomAD exomes 0.00002; TOPMed 0.00003; gnomAD 0.00004; 1000 Genomes Project 30x 0.00016; 1000 Genomes Project 0.00020.
gnomAD v4.1: 36 of 1,613,158 alleles (0.0022%); highest among the groups gnomAD compares: Admixed American, 0.01%; no homozygotes.

Submissions (2):

Labcorp Genetics (formerly Invitae), Labcorp
Classification: Likely benign for Cenani-Lenz syndactyly syndrome; Sclerosteosis 2; Congenital myasthenic syndrome 17. Last evaluated: 2026-02-01. Review status: criteria provided, single submitter. Criteria: Invitae Variant Classification Sherloc (09022015). Collection method: clinical testing. Allele origin: germline.

Baylor Genetics
Classification: Uncertain significance for Cenani-Lenz syndactyly syndrome. Last evaluated: 2018-03-22. Review status: criteria provided, single submitter. Criteria: ACMG Guidelines, 2015. Collection method: clinical testing. Allele origin: de novo. Affected: yes.
Comment: This variant was determined to be of uncertain significance according to ACMG Guidelines, 2015 [PMID:25741868].

NM_002334.4(LRP4):c.4245C>T (p.Asn1415=)

Genes: LRP4 (LDL receptor related protein 4; minus strand), LRP4-AS1 (LRP4 antisense RNA 1; plus strand). Cytogenetic location: 11p11.2.
Variant type: single nucleotide variant.
Coding change: c.4245C>T on transcript NM_002334.4 (MANE Select); coding-DNA position 4245, C replaced by T.
Protein change: p.Asn1415=; no amino-acid change (asparagine 1415 retained).
Molecular consequence: synonymous variant. On other transcripts: non-coding transcript variant (1).
Genome position (GRCh38, 1-based): chr11:46,873,578, G>A on the plus strand (C>T on the coding strand, the complement: LRP4 is on the minus strand). VCF-style: chr11-46873578-G-A. GRCh37 (hg19) VCF-style: chr11-46895129-G-A.
Identifiers: ClinVar variation 1032815 (VCV001032815.9), dbSNP rs185084650, ClinGen allele CA5969372.